The following is an entry in ClinVar:

NM_000388.4(CASR):c.1735G>T (p.Ala579Ser)

Gene: CASR (calcium sensing receptor; plus strand). Cytogenetic location: 3q21.1.
Variant type: single nucleotide variant.
Coding change: c.1735G>T on transcript NM_000388.4 (MANE Select); coding-DNA position 1735, G replaced by T.
Protein change: p.Ala579Ser; replaces alanine 579 with serine.
Molecular consequence: missense variant.
Genome position (GRCh38, 1-based): chr3:122,283,689, G>T. VCF-style: chr3-122283689-G-T. GRCh37 (hg19) VCF-style: chr3-122002536-G-T.
Other names: c.1765G>T, p.Ala589Ser (NM_001178065.2); short protein forms A579S, A589S.
Identifiers: ClinVar variation 4794584 (VCV004794584.1).

ClinVar aggregate classification (germline): Uncertain significance (1 of 4 stars; one submission).

Conditions:
Familial hypocalciuric hypercalcemia (FHH). Also called: Familial benign hypercalcemia. Identifiers: Orphanet 405, MedGen C1809471, MONDO:0018458.
Autosomal dominant hypocalcemia 1 (HYPOC1). Also called: HYPOCALCEMIA, FAMILIAL. Identifiers: MedGen C3715128, MONDO:0011013, OMIM 601198.

Submission:

Labcorp Genetics (formerly Invitae), Labcorp
Classification: Uncertain significance for Familial hypocalciuric hypercalcemia; Autosomal dominant hypocalcemia 1. Last evaluated: 2025-12-03. Review status: criteria provided, single submitter. Criteria: Invitae Variant Classification Sherloc (09022015). Collection method: clinical testing. Allele origin: germline.
Comment: This sequence change replaces alanine, which is neutral and non-polar, with serine, which is neutral and polar, at codon 579 of the CASR protein (p.Ala579Ser). This variant is not present in population databases (gnomAD no frequency). This variant has not been reported in the literature in individuals affected with CASR-related conditions. An algorithm developed to predict the effect of missense changes on protein structure and function (PolyPhen-2) suggests that this variant is likely to be disruptive. In summary, the available evidence is currently insufficient to determine the role of this variant in disease. Therefore, it has been classified as a Variant of Uncertain Significance.